The following is an entry in ClinVar:

ClinVar aggregate classification (germline): Uncertain significance. Review status: criteria provided, multiple submitters, no conflicts (2 of 4 stars). 2 submissions from 2 submitters: Uncertain significance (2). Last evaluated 2023-10-05.

Conditions:
Hereditary cancer-predisposing syndrome. Also called: Neoplastic Syndromes, Hereditary; Tumor predisposition; Hereditary Cancer Syndrome; Hereditary neoplastic syndrome. Identifiers: Orphanet 140162, MedGen C0027672, MeSH D009386, MONDO:0015356.
BAP1-related tumor predisposition syndrome (TPDS1). Also called: COMMON Syndrome; TUMOR PREDISPOSITION SYNDROME 1; BAP1 tumor predisposition syndrome; Tumor susceptibility linked to germline BAP1 mutations. Identifiers: Orphanet 289539, MedGen C3280492, MONDO:0013692, OMIM 614327.

Submissions (2):

Labcorp Genetics (formerly Invitae), Labcorp
Classification: Uncertain significance for BAP1-related tumor predisposition syndrome. Last evaluated: 2023-10-05. Review status: criteria provided, single submitter. Criteria: Invitae Variant Classification Sherloc (09022015). Collection method: clinical testing. Allele origin: germline.
Comment: This sequence change replaces alanine, which is neutral and non-polar, with threonine, which is neutral and polar, at codon 726 of the BAP1 protein (p.Ala726Thr). This variant is not present in population databases (gnomAD no frequency). This variant has not been reported in the literature in individuals affected with BAP1-related conditions. ClinVar contains an entry for this variant (Variation ID: 1787189). Advanced modeling of protein sequence and biophysical properties (such as structural, functional, and spatial information, amino acid conservation, physicochemical variation, residue mobility, and thermodynamic stability) performed at Invitae indicates that this missense variant is not expected to disrupt BAP1 protein function. In summary, the available evidence is currently insufficient to determine the role of this variant in disease. Therefore, it has been classified as a Variant of Uncertain Significance.

Ambry Genetics
Classification: Uncertain significance for Hereditary cancer-predisposing syndrome. Last evaluated: 2022-09-21. Review status: criteria provided, single submitter. Criteria: Ambry Variant Classification Scheme 2023. Collection method: clinical testing. Allele origin: germline.
Comment: The p.A726T variant (also known as c.2176G>A), located in coding exon 17 of the BAP1 gene, results from a G to A substitution at nucleotide position 2176. The alanine at codon 726 is replaced by threonine, an amino acid with similar properties. This amino acid position is conserved. In addition, this alteration is predicted to be tolerated by in silico analysis. Since supporting evidence is limited at this time, the clinical significance of this alteration remains unclear.

NM_004656.4(BAP1):c.2176G>A (p.Ala726Thr)

Gene: BAP1 (BRCA1 associated deubiquitinase 1; minus strand). Cytogenetic location: 3p21.1.
Variant type: single nucleotide variant.
Coding change: c.2176G>A on transcript NM_004656.4 (MANE Select); coding-DNA position 2176, G replaced by A.
Protein change: p.Ala726Thr; replaces alanine 726 with threonine.
Molecular consequence: missense variant.
Genome position (GRCh38, 1-based): chr3:52,402,302, C>T on the plus strand (G>A on the coding strand, the complement: BAP1 is on the minus strand). VCF-style: chr3-52402302-C-T. GRCh37 (hg19) VCF-style: chr3-52436318-C-T.
Other names: c.2122G>A, p.Ala708Thr (NM_001410772.1); short protein forms A708T, A726T.
Identifiers: ClinVar variation 1787189 (VCV001787189.7), dbSNP rs2471318330, ClinGen allele CA353093910.